The following is an entry in ClinVar:

ClinVar aggregate classification (germline): Uncertain significance. Review status: criteria provided, multiple submitters, no conflicts (2 of 4 stars). 3 submissions from 3 submitters: Uncertain significance (3). Last evaluated 2023-09-13.

Conditions:
Familial hemophagocytic lymphohistiocytosis 2 (FHL2). Also called: PRF1-Related Familial Hemophagocytic Lymphohistiocytosis (PRF1-fHLH). Identifiers: Orphanet 540, MedGen C1863727, MONDO:0011337, OMIM 603553.

Allele frequency attached by ClinVar (database versions not stated): gnomAD 0.00004; gnomAD exomes 0.00004 and 0.00006; TOPMed 0.00005; ExAC 0.00007.
gnomAD v4.1: 64 of 1,614,140 alleles (0.004%); highest among the groups gnomAD compares: South Asian, 0.011%; no homozygotes.

Submissions (3):

Mayo Clinic Laboratories, Mayo Clinic
Classification: Uncertain significance. Last evaluated: 2023-09-13. Review status: criteria provided, single submitter. Criteria: ACMG Guidelines, 2015. Collection method: clinical testing. Allele origin: germline. Observed: 1 variant allele.

Blueprint Genetics
Classification: Uncertain significance. Last evaluated: 2023-03-08. Review status: criteria provided, single submitter. Criteria: ACMG Guidelines, 2015. Collection method: clinical testing. Allele origin: germline.

Labcorp Genetics (formerly Invitae), Labcorp
Classification: Uncertain significance for Familial hemophagocytic lymphohistiocytosis 2. Last evaluated: 2022-08-27. Review status: criteria provided, single submitter. Criteria: Invitae Variant Classification Sherloc (09022015). Collection method: clinical testing. Allele origin: germline.
Comment: This sequence change replaces aspartic acid, which is acidic and polar, with asparagine, which is neutral and polar, at codon 128 of the PRF1 protein (p.Asp128Asn). This variant is present in population databases (rs776708052, gnomAD 0.02%). This missense change has been observed in individual(s) with familial hemophagocytic lymphohistiocytosis (PMID: 33746956). ClinVar contains an entry for this variant (Variation ID: 536217). Algorithms developed to predict the effect of missense changes on protein structure and function output the following: SIFT: "Tolerated"; PolyPhen-2: "Benign"; Align-GVGD: "Class C0". The asparagine amino acid residue is found in multiple mammalian species, which suggests that this missense change does not adversely affect protein function. In summary, the available evidence is currently insufficient to determine the role of this variant in disease. Therefore, it has been classified as a Variant of Uncertain Significance.

Literature cited by the submitters: PubMed 33746956 (cited by Mayo Clinic Laboratories, Mayo Clinic and Labcorp Genetics (formerly Invitae), Labcorp).

NM_001083116.3(PRF1):c.382G>A (p.Asp128Asn)

Gene: PRF1 (perforin 1; minus strand). Cytogenetic location: 10q22.1.
Variant type: single nucleotide variant.
Coding change: c.382G>A on transcript NM_001083116.3 (MANE Select); coding-DNA position 382, G replaced by A.
Protein change: p.Asp128Asn; replaces aspartic acid 128 with asparagine.
Molecular consequence: missense variant.
Genome position (GRCh38, 1-based): chr10:70,600,521, C>T on the plus strand (G>A on the coding strand, the complement: PRF1 is on the minus strand). VCF-style: chr10-70600521-C-T. GRCh37 (hg19) VCF-style: chr10-72360277-C-T.
Other names: p.Asp128Asn; c.382G>A, p.Asp128Asn (NM_005041.6); short protein forms D128N.
Identifiers: ClinVar variation 536217 (VCV000536217.6), dbSNP rs776708052, ClinGen allele CA5539053.